The following is an entry in ClinVar:

NM_203447.4(DOCK8):c.3559A>G (p.Ser1187Gly)

Gene: DOCK8 (dedicator of cytokinesis 8; plus strand). Cytogenetic location: 9p24.3.
Variant type: single nucleotide variant.
Coding change: c.3559A>G on transcript NM_203447.4 (MANE Select); coding-DNA position 3559, A replaced by G.
Protein change: p.Ser1187Gly; replaces serine 1187 with glycine.
Molecular consequence: missense variant.
Genome position (GRCh38, 1-based): chr9:414,810, A>G. VCF-style: chr9-414810-A-G. GRCh37 (hg19) VCF-style: chr9-414810-A-G.
Other names: c.3259A>G, p.Ser1087Gly (NM_001190458.2); c.3355A>G, p.Ser1119Gly (NM_001193536.2); short protein forms S1087G, S1119G, S1187G.
Identifiers: ClinVar variation 1507575 (VCV001507575.7), dbSNP rs1279067889, ClinGen allele CA372760280.
Genomic context (GRCh38, chr9:414,810, plus strand): 5'-ATAACCTCTTGATTCCTGTGTTGTGCCAACAGAATCAGCAAAGTACAAAGGAAAGCTGTC[A>G]GTGCAATTCACAGCCTGCTAAGTTCTCACGACCTGGACCCACGCTGTGTCAAACCAGAGG-3'
Protein context (NP_982272.2, residues 1177-1197): GISKVQRKAV[Ser1187Gly]AIHSLLSSHD

ClinVar aggregate classification (germline): Uncertain significance (1 of 4 stars; one submission).

Conditions:
Combined immunodeficiency due to DOCK8 deficiency (HIES2). Also called: Hyper-IgE recurrent infection syndrome, autosomal recessive; HIES autosomal recessive; DOCK8 Deficiency; HYPER-IgE RECURRENT INFECTION SYNDROME 2, AUTOSOMAL RECESSIVE; HYPER-IgE SYNDROME 2, AUTOSOMAL RECESSIVE, WITH RECURRENT INFECTIONS. Identifiers: Orphanet 217390, MedGen C4722305, MONDO:0009478, OMIM 243700.

Allele frequency attached by ClinVar (database versions not stated): gnomAD exomes below 0.00001 and 0.00001; gnomAD 0.00001.
gnomAD v4.1: 9 of 1,614,136 alleles (0.00056%); highest among the groups gnomAD compares: Non-Finnish European, 0.00076%; no homozygotes.

Submission:

Labcorp Genetics (formerly Invitae), Labcorp
Classification: Uncertain significance for Combined immunodeficiency due to DOCK8 deficiency. Last evaluated: 2024-03-22. Review status: criteria provided, single submitter. Criteria: Invitae Variant Classification Sherloc (09022015). Collection method: clinical testing. Allele origin: germline.
Comment: This sequence change replaces serine, which is neutral and polar, with glycine, which is neutral and non-polar, at codon 1187 of the DOCK8 protein (p.Ser1187Gly). This variant is present in population databases (no rsID available, gnomAD 0.002%). This variant has not been reported in the literature in individuals affected with DOCK8-related conditions. ClinVar contains an entry for this variant (Variation ID: 1507575). Advanced modeling of protein sequence and biophysical properties (such as structural, functional, and spatial information, amino acid conservation, physicochemical variation, residue mobility, and thermodynamic stability) performed at Invitae indicates that this missense variant is not expected to disrupt DOCK8 protein function with a negative predictive value of 80%. In summary, the available evidence is currently insufficient to determine the role of this variant in disease. Therefore, it has been classified as a Variant of Uncertain Significance.